The following is an entry in ClinVar:

NM_002473.6(MYH9):c.333+13C>T

Gene: MYH9 (myosin heavy chain 9; minus strand). Cytogenetic location: 22q12.3.
Variant type: single nucleotide variant.
Coding change: c.333+13C>T on transcript NM_002473.6 (MANE Select); 13 bases into the intron after coding-DNA position 333, C replaced by T.
Molecular consequence: intron variant.
Genome position (GRCh38, 1-based): chr22:36,348,891, G>A on the plus strand (C>T on the coding strand, the complement: MYH9 is on the minus strand). VCF-style: chr22-36348891-G-A. GRCh37 (hg19) VCF-style: chr22-36744936-G-A.
Identifiers: ClinVar variation 164468 (VCV000164468.7), dbSNP rs727503295, ClinGen allele CA177164.

ClinVar aggregate classification (germline): Likely benign. Review status: criteria provided, multiple submitters, no conflicts (2 of 4 stars). 2 submissions from 2 submitters: Likely benign (2). Last evaluated 2025-10-20.

Allele frequency attached by ClinVar (database versions not stated): gnomAD exomes below 0.00001 and 0.00001; TOPMed 0.00001; ExAC 0.00001; gnomAD 0.00001.
gnomAD v4.1: 13 of 1,553,178 alleles (0.00084%); highest among the groups gnomAD compares: African/African-American, 0.0014%; no homozygotes.

Submissions (2):

Labcorp Genetics (formerly Invitae), Labcorp
Classification: Likely benign. Last evaluated: 2025-10-20. Review status: criteria provided, single submitter. Criteria: Invitae Variant Classification Sherloc (09022015). Collection method: clinical testing. Allele origin: germline.

Laboratory for Molecular Medicine, Mass General Brigham Personalized Medicine
Classification: Likely benign. Last evaluated: 2015-03-31. Review status: criteria provided, single submitter. Criteria: LMM Criteria. Collection method: clinical testing. Allele origin: germline. Observed: 1 variant allele.
Comment: c.333+13C>T in intron 2 of MYH9: This variant is not expected to have clinical significance because it is not located within the conserved splice consensus seq uence. It has been identified in 1/58002 European chromosomes by the Exome Aggre gation Consortium (ExAC).